The following is an entry in ClinVar:

NM_206937.2(LIG4):c.2267G>A (p.Arg756His)

Gene: LIG4 (DNA ligase 4; minus strand). Cytogenetic location: 13q33.3.
Variant type: single nucleotide variant.
Coding change: c.2267G>A on transcript NM_206937.2 (MANE Select); coding-DNA position 2267, G replaced by A.
Protein change: p.Arg756His; replaces arginine 756 with histidine.
Molecular consequence: missense variant.
Genome position (GRCh38, 1-based): chr13:108,209,002, C>T on the plus strand (G>A on the coding strand, the complement: LIG4 is on the minus strand). VCF-style: chr13-108209002-C-T. GRCh37 (hg19) VCF-style: chr13-108861350-C-T.
Other names: c.2267G>A, p.Arg756His (NM_001098268.2, NM_001352598.2, NM_001352599.2 and 6 more transcripts); c.2066G>A, p.Arg689His (NM_001330595.2); c.2303G>A, p.Arg768His (NM_001352604.2); short protein forms R689H, R756H, R768H.
Identifiers: ClinVar variation 807041 (VCV000807041.16), dbSNP rs147410837, ClinGen allele CA7043535.
Genomic context (GRCh38, chr13:108,209,002, plus strand): 5'-TCCTTCAGTTGGTTCAAGTCTGTATCAATGAAATAACTATCACCATAGCAATCATATTCA[C>T]GGGCAAAATGTTCTTTGGTTGATGGGCACATATGAATCATAAAGCGAGGCTGCCATGGTA-3'
Protein context (NP_996820.1, residues 746-766): MCPSTKEHFA[Arg756His]EYDCYGDSYF

ClinVar aggregate classification (germline): Uncertain significance. Review status: criteria provided, multiple submitters, no conflicts (2 of 4 stars). 2 submissions from 2 submitters: Uncertain significance (2). Last evaluated 2026-01-05.

Conditions:
Inborn genetic diseases. Identifiers: MedGen C0950123, MeSH D030342.
DNA ligase IV deficiency. Identifiers: Orphanet 99812, MedGen C1847827, MONDO:0011686, OMIM 606593.

Allele frequency attached by ClinVar (database versions not stated): ExAC 0.00001; gnomAD exomes 0.00001; gnomAD 0.00002 and 0.00003; TOPMed 0.00004; ESP Exome Variant Server 0.00008.
gnomAD v4.1: 39 of 1,613,978 alleles (0.0024%); highest among the groups gnomAD compares: Middle Eastern, 0.016%; no homozygotes.

Submissions (2):

Labcorp Genetics (formerly Invitae), Labcorp
Classification: Uncertain significance for DNA ligase IV deficiency. Last evaluated: 2026-01-05. Review status: criteria provided, single submitter. Criteria: Invitae Variant Classification Sherloc (09022015). Collection method: clinical testing. Allele origin: germline.
Comment: This sequence change replaces arginine, which is basic and polar, with histidine, which is basic and polar, at codon 756 of the LIG4 protein (p.Arg756His). This variant is present in population databases (rs147410837, gnomAD 0.003%). This variant has not been reported in the literature in individuals affected with LIG4-related conditions. ClinVar contains an entry for this variant (Variation ID: 807041). An algorithm developed to predict the effect of missense changes on protein structure and function outputs the following: PolyPhen-2: "Benign". The histidine amino acid residue is found in multiple mammalian species, which suggests that this missense change does not adversely affect protein function. In summary, the available evidence is currently insufficient to determine the role of this variant in disease. Therefore, it has been classified as a Variant of Uncertain Significance.

Ambry Genetics
Classification: Uncertain significance for Inborn genetic diseases. Last evaluated: 2021-12-07. Review status: criteria provided, single submitter. Criteria: Ambry Variant Classification Scheme 2023. Collection method: clinical testing. Allele origin: germline.